The following is an entry in ClinVar:

ClinVar aggregate classification (germline): Uncertain significance (1 of 4 stars; one submission).

Allele frequency attached by ClinVar (database versions not stated): gnomAD 0.00001; gnomAD exomes 0.00001; TOPMed 0.00001.
gnomAD v4.1: 17 of 1,613,994 alleles (0.0011%); highest among the groups gnomAD compares: African/African-American, 0.0013%; no homozygotes.

Submission:

Labcorp Genetics (formerly Invitae), Labcorp
Classification: Uncertain significance. Last evaluated: 2022-04-29. Review status: criteria provided, single submitter. Criteria: Invitae Variant Classification Sherloc (09022015). Collection method: clinical testing. Allele origin: germline.
Comment: In summary, the available evidence is currently insufficient to determine the role of this variant in disease. Therefore, it has been classified as a Variant of Uncertain Significance. Algorithms developed to predict the effect of missense changes on protein structure and function are either unavailable or do not agree on the potential impact of this missense change (SIFT: "Deleterious"; PolyPhen-2: "Possibly Damaging"; Align-GVGD: "Class C15"). This variant has not been reported in the literature in individuals affected with LTBP2-related conditions. This variant is present in population databases (no rsID available, gnomAD 0.004%). This sequence change replaces glutamic acid, which is acidic and polar, with lysine, which is basic and polar, at codon 1348 of the LTBP2 protein (p.Glu1348Lys).

NM_000428.3(LTBP2):c.4042G>A (p.Glu1348Lys)

Gene: LTBP2 (latent transforming growth factor beta binding protein 2; minus strand). Cytogenetic location: 14q24.3.
Variant type: single nucleotide variant.
Coding change: c.4042G>A on transcript NM_000428.3 (MANE Select); coding-DNA position 4042, G replaced by A.
Protein change: p.Glu1348Lys; replaces glutamic acid 1348 with lysine.
Molecular consequence: missense variant.
Genome position (GRCh38, 1-based): chr14:74,506,183, C>T on the plus strand (G>A on the coding strand, the complement: LTBP2 is on the minus strand). VCF-style: chr14-74506183-C-T. GRCh37 (hg19) VCF-style: chr14-74972886-C-T.
Other names: short protein forms E1348K.
Identifiers: ClinVar variation 1897156 (VCV001897156.3), dbSNP rs957308620, ClinGen allele CA263580852.